The following is an entry in ClinVar:

NM_024577.4(SH3TC2):c.1355T>C (p.Leu452Pro)

Gene: SH3TC2 (SH3 domain and tetratricopeptide repeats 2; minus strand). Cytogenetic location: 5q32.
Variant type: single nucleotide variant.
Coding change: c.1355T>C on transcript NM_024577.4 (MANE Select); coding-DNA position 1355, T replaced by C.
Protein change: p.Leu452Pro; replaces leucine 452 with proline.
Molecular consequence: missense variant.
Genome position (GRCh38, 1-based): chr5:149,028,377, A>G on the plus strand (T>C on the coding strand, the complement: SH3TC2 is on the minus strand). VCF-style: chr5-149028377-A-G. GRCh37 (hg19) VCF-style: chr5-148407940-A-G.
Other names: short protein forms L452P.
Identifiers: ClinVar variation 543421 (VCV000543421.8), dbSNP rs1235312791, ClinGen allele CA361669021.

ClinVar aggregate classification (germline): Uncertain significance (1 of 4 stars; one submission).

Conditions:
Charcot-Marie-Tooth disease type 4. Also called: Charcot-Marie-Tooth, Type 4; Charcot-Marie-Tooth disease, type IV. Identifiers: Orphanet 64749, MedGen C4082197, MONDO:0018995.

Allele frequency attached by ClinVar (database versions not stated): gnomAD exomes below 0.00001; gnomAD 0.00001 and 0.00002; TOPMed below 0.00001.
gnomAD v4.1: 5 of 1,614,172 alleles (0.00031%); highest among the groups gnomAD compares: East Asian, 0.0089%; no homozygotes.

Submission:

Labcorp Genetics (formerly Invitae), Labcorp
Classification: Uncertain significance for Charcot-Marie-Tooth disease type 4. Last evaluated: 2022-07-19. Review status: criteria provided, single submitter. Criteria: Invitae Variant Classification Sherloc (09022015). Collection method: clinical testing. Allele origin: germline.
Comment: In summary, the available evidence is currently insufficient to determine the role of this variant in disease. Therefore, it has been classified as a Variant of Uncertain Significance. Advanced modeling of protein sequence and biophysical properties (such as structural, functional, and spatial information, amino acid conservation, physicochemical variation, residue mobility, and thermodynamic stability) performed at Invitae indicates that this missense variant is not expected to disrupt SH3TC2 protein function. ClinVar contains an entry for this variant (Variation ID: 543421). This variant has not been reported in the literature in individuals affected with SH3TC2-related conditions. This variant is not present in population databases (gnomAD no frequency). This sequence change replaces leucine, which is neutral and non-polar, with proline, which is neutral and non-polar, at codon 452 of the SH3TC2 protein (p.Leu452Pro).